The following is an entry in ClinVar:

NM_198253.3(TERT):c.755G>A (p.Gly252Glu)

Gene: TERT (telomerase reverse transcriptase; minus strand). Cytogenetic location: 5p15.33.
Variant type: single nucleotide variant.
Coding change: c.755G>A on transcript NM_198253.3 (MANE Select); coding-DNA position 755, G replaced by A.
Protein change: p.Gly252Glu; replaces glycine 252 with glutamic acid.
Molecular consequence: missense variant. On other transcripts: non-coding transcript variant (2).
Genome position (GRCh38, 1-based): chr5:1,294,131, C>T on the plus strand (G>A on the coding strand, the complement: TERT is on the minus strand). VCF-style: chr5-1294131-C-T. GRCh37 (hg19) VCF-style: chr5-1294246-C-T.
Other names: c.755G>A, p.Gly252Glu (NM_001193376.3, NM_003219.1); short protein forms G252E.
Identifiers: ClinVar variation 2008579 (VCV002008579.4), dbSNP rs2478420681, ClinGen allele CA359056890.
Genomic context (GRCh38, chr5:1,294,131, plus strand): 5'-ACACAGAAACCACGGTCACTCGGTCCACGCGTCCTGCCCGGGTGGGCCCAGGACCCCTGC[C>T]CAACGGGCGTCCGCTCCGGCTCAGGGGCAGCGCCACGCCTGGGCCTCTTGGGCAACGGCA-3'
Protein context (NP_937983.2, residues 242-262): AAPEPERTPV[Gly252Glu]QGSWAHPGRT

ClinVar aggregate classification (germline): Uncertain significance (1 of 4 stars; one submission).

Conditions:
Dyskeratosis congenita, autosomal dominant 2. Identifiers: MedGen C3151443, MONDO:0013521, OMIM 613989.
Idiopathic Pulmonary Fibrosis. Also called: Idiopathic fibrosing alveolitis, chronic form; idiopathic fibrosing alveolitis. Identifiers: Orphanet 2032, MedGen C1800706, MeSH D054990, MONDO:0800504.

Submission:

Labcorp Genetics (formerly Invitae), Labcorp
Classification: Uncertain significance for Dyskeratosis congenita, autosomal dominant 2; Idiopathic Pulmonary Fibrosis. Last evaluated: 2022-06-20. Review status: criteria provided, single submitter. Criteria: Invitae Variant Classification Sherloc (09022015). Collection method: clinical testing. Allele origin: germline.
Comment: In summary, the available evidence is currently insufficient to determine the role of this variant in disease. Therefore, it has been classified as a Variant of Uncertain Significance. This sequence change replaces glycine, which is neutral and non-polar, with glutamic acid, which is acidic and polar, at codon 252 of the TERT protein (p.Gly252Glu). This variant is not present in population databases (gnomAD no frequency). This variant has not been reported in the literature in individuals affected with TERT-related conditions. Advanced modeling of protein sequence and biophysical properties (such as structural, functional, and spatial information, amino acid conservation, physicochemical variation, residue mobility, and thermodynamic stability) performed at Invitae indicates that this missense variant is not expected to disrupt TERT protein function.